The following is an entry in ClinVar:

ClinVar aggregate classification (germline): Uncertain significance (1 of 4 stars; one submission).

Conditions:
Marfan syndrome (MFS). Also called: Marfan syndrome type 1; Marfan's syndrome; FBN1-Related Marfan Syndrome; MARFAN SYNDROME, TYPE I; Marfan syndrome, classic. Identifiers: Orphanet 284963, Orphanet 558, MedGen C0024796, MONDO:0007947, OMIM 154700.
Familial thoracic aortic aneurysm and aortic dissection (TAAD). Also called: Thoracic aortic aneurysms and dissections. Identifiers: Orphanet 91387, MedGen C4707243, MONDO:0019625.

Submission:

Labcorp Genetics (formerly Invitae), Labcorp
Classification: Uncertain significance for Marfan syndrome; Familial thoracic aortic aneurysm and aortic dissection. Last evaluated: 2021-02-07. Review status: criteria provided, single submitter. Criteria: Invitae Variant Classification Sherloc (09022015). Collection method: clinical testing. Allele origin: germline.
Comment: This sequence change replaces methionine with threonine at codon 624 of the FBN1 protein (p.Met624Thr). The methionine residue is highly conserved and there is a moderate physicochemical difference between methionine and threonine. In summary, the available evidence is currently insufficient to determine the role of this variant in disease. Therefore, it has been classified as a Variant of Uncertain Significance. Algorithms developed to predict the effect of missense changes on protein structure and function (SIFT, PolyPhen-2, Align-GVGD) all suggest that this variant is likely to be tolerated, but these predictions have not been confirmed by published functional studies and their clinical significance is uncertain. This variant has not been reported in the literature in individuals with FBN1-related conditions. This variant is not present in population databases (ExAC no frequency).

NM_000138.5(FBN1):c.1871T>C (p.Met624Thr)

Gene: FBN1 (fibrillin 1; minus strand). Cytogenetic location: 15q21.1.
Variant type: single nucleotide variant.
Coding change: c.1871T>C on transcript NM_000138.5 (MANE Select); coding-DNA position 1871, T replaced by C.
Protein change: p.Met624Thr; replaces methionine 624 with threonine.
Molecular consequence: missense variant.
Genome position (GRCh38, 1-based): chr15:48,505,114, A>G on the plus strand (T>C on the coding strand, the complement: FBN1 is on the minus strand). VCF-style: chr15-48505114-A-G. GRCh37 (hg19) VCF-style: chr15-48797311-A-G.
Other names: short protein forms M624T.
Identifiers: ClinVar variation 1400913 (VCV001400913.8), dbSNP rs1597575080, ClinGen allele CA392339137.